The following is an entry in ClinVar:

NM_053025.4(MYLK):c.3751G>T (p.Ala1251Ser)

Gene: MYLK (myosin light chain kinase; minus strand). Cytogenetic location: 3q21.1.
Variant type: single nucleotide variant.
Coding change: c.3751G>T on transcript NM_053025.4 (MANE Select); coding-DNA position 3751, G replaced by T.
Protein change: p.Ala1251Ser; replaces alanine 1251 with serine.
Molecular consequence: missense variant.
Genome position (GRCh38, 1-based): chr3:123,666,299, C>A on the plus strand (G>T on the coding strand, the complement: MYLK is on the minus strand). VCF-style: chr3-123666299-C-A. GRCh37 (hg19) VCF-style: chr3-123385146-C-A.
Other names: c.3751G>T (NM_053025.3); c.3223G>T, p.Ala1075Ser (NM_001321309.2); c.3544G>T, p.Ala1182Ser (NM_053026.4, NM_053028.4); c.3751G>T, p.Ala1251Ser (NM_053027.4); short protein forms A1251S, A1075S, A1182S.
Identifiers: ClinVar variation 2146625 (VCV002146625.5), dbSNP rs530737058, ClinGen allele CA070166.

ClinVar aggregate classification (germline): Uncertain significance. Review status: criteria provided, multiple submitters, no conflicts (2 of 4 stars). 2 submissions from 2 submitters: Uncertain significance (2). Last evaluated 2026-02-19.

Conditions:
Familial thoracic aortic aneurysm and aortic dissection (TAAD). Also called: Thoracic aortic aneurysms and dissections. Identifiers: Orphanet 91387, MedGen C4707243, MONDO:0019625.
Aortic aneurysm, familial thoracic 7 (AAT7). Also called: AORTIC DISSECTION, FAMILIAL, WITH OR WITHOUT AORTIC ANEURYSM. Identifiers: MedGen C3151077, MONDO:0013418, OMIM 613780.

gnomAD v4.1: 19 of 1,614,206 alleles (0.0012%); highest among the groups gnomAD compares: Non-Finnish European, 0.0014%; no homozygotes.

Submissions (2):

Ambry Genetics
Classification: Uncertain significance for Familial thoracic aortic aneurysm and aortic dissection. Last evaluated: 2026-02-19. Review status: criteria provided, single submitter. Criteria: Ambry Variant Classification Scheme 2023. Collection method: clinical testing. Allele origin: germline.
Comment: The p.A1251S variant (also known as c.3751G>T), located in coding exon 19 of the MYLK gene, results from a G to T substitution at nucleotide position 3751. The alanine at codon 1251 is replaced by serine, an amino acid with similar properties. This amino acid position is conserved. In addition, this alteration is predicted to be tolerated by in silico analysis. Based on the available evidence, the clinical significance of this variant remains unclear.

Labcorp Genetics (formerly Invitae), Labcorp
Classification: Uncertain significance for Aortic aneurysm, familial thoracic 7. Last evaluated: 2026-01-04. Review status: criteria provided, single submitter. Criteria: Invitae Variant Classification Sherloc (09022015). Collection method: clinical testing. Allele origin: germline.
Comment: This sequence change replaces alanine, which is neutral and non-polar, with serine, which is neutral and polar, at codon 1251 of the MYLK protein (p.Ala1251Ser). This variant is present in population databases (rs530737058, gnomAD 0.002%). This variant has not been reported in the literature in individuals affected with MYLK-related conditions. ClinVar contains an entry for this variant (Variation ID: 2146625). Invitae Evidence Modeling of protein sequence and biophysical properties (such as structural, functional, and spatial information, amino acid conservation, physicochemical variation, residue mobility, and thermodynamic stability) indicates that this missense variant is not expected to disrupt MYLK protein function with a negative predictive value of 80%. In summary, the available evidence is currently insufficient to determine the role of this variant in disease. Therefore, it has been classified as a Variant of Uncertain Significance.